The following is an entry in ClinVar:

ClinVar aggregate classification (germline): Conflicting classifications of pathogenicity. Review status: criteria provided, conflicting classifications (1 of 4 stars). 3 submissions from 3 submitters: Uncertain significance (2); Likely benign (1). Last evaluated 2025-10-06.

Allele frequency attached by ClinVar (database versions not stated): TOPMed 0.00006; ExAC 0.00007; gnomAD exomes 0.00007; ESP Exome Variant Server 0.00008; gnomAD 0.00009 and 0.00010; 1000 Genomes Project 30x 0.00031; 1000 Genomes Project 0.00040.
gnomAD v4.1: 106 of 1,614,122 alleles (0.0066%); highest among the groups gnomAD compares: Admixed American, 0.0083%; no homozygotes.

Submissions (3):

Labcorp Genetics (formerly Invitae), Labcorp
Classification: Uncertain significance. Last evaluated: 2025-10-06. Review status: criteria provided, single submitter. Criteria: Invitae Variant Classification Sherloc (09022015). Collection method: clinical testing. Allele origin: germline.
Comment: This sequence change replaces aspartic acid, which is acidic and polar, with asparagine, which is neutral and polar, at codon 153 of the FZD4 protein (p.Asp153Asn). This variant is present in population databases (rs118039628, gnomAD 0.05%). This variant has not been reported in the literature in individuals affected with FZD4-related conditions. ClinVar contains an entry for this variant (Variation ID: 844174). Invitae Evidence Modeling of protein sequence and biophysical properties (such as structural, functional, and spatial information, amino acid conservation, physicochemical variation, residue mobility, and thermodynamic stability) indicates that this missense variant is not expected to disrupt FZD4 protein function with a negative predictive value of 80%. In summary, the available evidence is currently insufficient to determine the role of this variant in disease. Therefore, it has been classified as a Variant of Uncertain Significance.

Blueprint Genetics
Classification: Likely benign. Last evaluated: 2022-02-04. Review status: criteria provided, single submitter. Criteria: ACMG Guidelines, 2015. Collection method: clinical testing. Allele origin: germline.

GeneDx
Classification: Uncertain significance. Last evaluated: 2022-01-07. Review status: criteria provided, single submitter. Criteria: GeneDx Variant Classification Process June 2021. Collection method: clinical testing. Allele origin: germline. Affected: yes.
Comment: In silico analysis supports that this missense variant does not alter protein structure/function; Has not been previously published as pathogenic or benign to our knowledge

NM_012193.4(FZD4):c.457G>A (p.Asp153Asn)

Genes: FZD4 (frizzled class receptor 4; minus strand), PRSS23 (serine protease 23; plus strand). Cytogenetic location: 11q14.2.
Variant type: single nucleotide variant.
Coding change: c.457G>A on transcript NM_012193.4 (MANE Select); coding-DNA position 457, G replaced by A.
Protein change: p.Asp153Asn; replaces aspartic acid 153 with asparagine.
Molecular consequence: missense variant. On other transcripts: non-coding transcript variant (2).
Genome position (GRCh38, 1-based): chr11:86,952,299, C>T on the plus strand (G>A on the coding strand, the complement: FZD4 is on the minus strand). VCF-style: chr11-86952299-C-T. GRCh37 (hg19) VCF-style: chr11-86663341-C-T.
Other names: short protein forms D153N.
Identifiers: ClinVar variation 844174 (VCV000844174.10), dbSNP rs118039628, ClinGen allele CA6218452.